The following is an entry in ClinVar:

ClinVar aggregate classification (germline): Pathogenic (1 of 4 stars; one submission).

Submission:

GeneDx
Classification: Pathogenic. Last evaluated: 2024-12-18. Review status: criteria provided, single submitter. Criteria: GeneDx Variant Classification Process June 2021. Collection method: clinical testing. Allele origin: germline. Affected: yes.
Comment: Not observed at significant frequency in large population cohorts (gnomAD); In silico analysis supports that this missense variant has a deleterious effect on protein structure/function; Has not been previously published as pathogenic or benign to our knowledge

NM_052867.4(NALCN):c.1782T>G (p.Phe594Leu)

Gene: NALCN (sodium leak channel, non-selective; minus strand). Cytogenetic location: 13q33.1.
Variant type: single nucleotide variant.
Coding change: c.1782T>G on transcript NM_052867.4 (MANE Select); coding-DNA position 1782, T replaced by G.
Protein change: p.Phe594Leu; replaces phenylalanine 594 with leucine.
Molecular consequence: missense variant.
Genome position (GRCh38, 1-based): chr13:101,176,357, A>C on the plus strand (T>G on the coding strand, the complement: NALCN is on the minus strand). VCF-style: chr13-101176357-A-C. GRCh37 (hg19) VCF-style: chr13-101828708-A-C.
Other names: c.1782T>G, p.Phe594Leu (NM_001350748.2, NM_001350749.2); c.1695T>G, p.Phe565Leu (NM_001350750.2, NM_001350751.2); short protein forms F565L, F594L.
Identifiers: ClinVar variation 3906510 (VCV003906510.1).